The following is an entry in ClinVar:

NM_020975.6(RET):c.1624G>A (p.Glu542Lys)

Gene: RET (ret proto-oncogene; plus strand). Cytogenetic location: 10q11.21.
Variant type: single nucleotide variant.
Coding change: c.1624G>A on transcript NM_020975.6 (MANE Select); coding-DNA position 1624, G replaced by A.
Protein change: p.Glu542Lys; replaces glutamic acid 542 with lysine.
Molecular consequence: missense variant.
Genome position (GRCh38, 1-based): chr10:43,112,200, G>A. VCF-style: chr10-43112200-G-A. GRCh37 (hg19) VCF-style: chr10-43607648-G-A.
Other names: c.1624G>A, p.Glu542Lys (NM_000323.2, NM_001406743.1, NM_001406744.1 and 6 more transcripts); c.862G>A, p.Glu288Lys (NM_001355216.2); c.1495G>A, p.Glu499Lys (NM_001406761.1, NM_001406762.1, NM_001406764.1 and 1 more transcripts); c.1336G>A, p.Glu446Lys (NM_001406766.1, NM_001406767.1, NM_001406770.1); c.1228G>A, p.Glu410Lys (NM_001406769.1, NM_001406772.1); c.1186G>A, p.Glu396Lys (NM_001406771.1, NM_001406773.1); c.1099G>A, p.Glu367Lys (NM_001406774.1); c.898G>A, p.Glu300Lys (NM_001406775.1, NM_001406776.1, NM_001406777.1 and 1 more transcripts); and 5 more; short protein forms E288K, E542K, E200K, E212K, E410K, E59K, E147K, E300K.
Identifiers: ClinVar variation 1410514 (VCV001410514.10), dbSNP rs1837954784, ClinGen allele CA376550777.

ClinVar aggregate classification (germline): Uncertain significance. Review status: criteria provided, multiple submitters, no conflicts (2 of 4 stars). 2 submissions from 2 submitters: Uncertain significance (2). Last evaluated 2024-05-01.

Conditions:
Hereditary cancer-predisposing syndrome. Also called: Hereditary Cancer Syndrome; Tumor predisposition; Hereditary neoplastic syndrome; Neoplastic Syndromes, Hereditary. Identifiers: Orphanet 140162, MedGen C0027672, MeSH D009386, MONDO:0015356.
Multiple endocrine neoplasia, type 2 (MEN2). Identifiers: Orphanet 653, MedGen C4048306, MONDO:0019003. Disease mechanism: gain of function.

Submissions (2):

Ambry Genetics
Classification: Uncertain significance for Hereditary cancer-predisposing syndrome. Last evaluated: 2024-05-01. Review status: criteria provided, single submitter. Criteria: Ambry Variant Classification Scheme 2023. Collection method: clinical testing. Allele origin: germline.
Comment: The p.E542K variant (also known as c.1624G>A), located in coding exon 8 of the RET gene, results from a G to A substitution at nucleotide position 1624. The glutamic acid at codon 542 is replaced by lysine, an amino acid with similar properties. This amino acid position is not well conserved in available vertebrate species. In addition, the in silico prediction for this alteration is inconclusive. Based on the available evidence, the clinical significance of this variant remains unclear.

Labcorp Genetics (formerly Invitae), Labcorp
Classification: Uncertain significance for Multiple endocrine neoplasia, type 2. Last evaluated: 2021-02-18. Review status: criteria provided, single submitter. Criteria: Invitae Variant Classification Sherloc (09022015). Collection method: clinical testing. Allele origin: germline.
Comment: This variant is not present in population databases (ExAC no frequency). This sequence change replaces glutamic acid with lysine at codon 542 of the RET protein (p.Glu542Lys). The glutamic acid residue is weakly conserved and there is a small physicochemical difference between glutamic acid and lysine. This variant has not been reported in the literature in individuals with RET-related conditions. Algorithms developed to predict the effect of missense changes on protein structure and function are either unavailable or do not agree on the potential impact of this missense change (SIFT: "Deleterious"; PolyPhen-2: "Benign"; Align-GVGD: "Class C15"). In summary, the available evidence is currently insufficient to determine the role of this variant in disease. Therefore, it has been classified as a Variant of Uncertain Significance.